The following is an entry in ClinVar:

NM_031466.8(TRAPPC9):c.-204C>G

Gene: TRAPPC9 (trafficking protein particle complex subunit 9; minus strand). Cytogenetic location: 8q24.3.
Variant type: single nucleotide variant.
Coding change: c.-204C>G on transcript NM_031466.8; 204 bases upstream of the start codon, C replaced by G.
Molecular consequence: 5 prime UTR variant.
Genome position (GRCh38, 1-based): chr8:140,458,474, G>C on the plus strand (C>G on the coding strand, the complement: TRAPPC9 is on the minus strand). VCF-style: chr8-140458474-G-C. GRCh37 (hg19) VCF-style: chr8-141468573-G-C.
Identifiers: ClinVar variation 2991265 (VCV002991265.3), dbSNP rs1297489863, ClinGen allele CA372321255.
Genomic context (GRCh38, chr8:140,458,474, plus strand): 5'-CGTGCCCCCCACGTGGGTGGGTGACCGTGGCGCGCGCGGCCTGGGAGCGCCTCCAGGATC[G>C]CAGGGCCCGGGAGGCACGTGAGGTGCGAGCCCCAGCCTGGGCCGGCTTCCCCCTGTGTGG-3'

ClinVar aggregate classification (germline): Uncertain significance (1 of 4 stars; one submission).

gnomAD v4.1: 7 of 1,571,882 alleles (0.00045%); highest among the groups gnomAD compares: East Asian, 0.0095%; no homozygotes.

Submission:

Labcorp Genetics (formerly Invitae), Labcorp
Classification: Uncertain significance. Last evaluated: 2023-12-11. Review status: criteria provided, single submitter. Criteria: Invitae Variant Classification Sherloc (09022015). Collection method: clinical testing. Allele origin: germline.
Comment: This sequence change replaces arginine with glycine at codon 31 of the TRAPPC9 protein (p.Arg31Gly). The arginine residue is weakly conserved and there is a moderate physicochemical difference between arginine and glycine. This variant is present in population databases (no rsID available, gnomAD 0.02%). This variant has not been reported in the literature in individuals affected with TRAPPC9-related conditions. Algorithms developed to predict the effect of missense changes on protein structure and function output the following: SIFT: "Not Available"; PolyPhen-2: "Not Available"; Align-GVGD: "Not Available". The glycine amino acid residue is found in multiple mammalian species, which suggests that this missense change does not adversely affect protein function. In summary, the available evidence is currently insufficient to determine the role of this variant in disease. Therefore, it has been classified as a Variant of Uncertain Significance.